The following is an entry in ClinVar:

ClinVar aggregate classification (germline): Likely benign (1 of 4 stars; one submission).

Allele frequency attached by ClinVar (database versions not stated): ESP Exome Variant Server 0.00087; gnomAD 0.00111; TOPMed 0.00121.
gnomAD v4.1: 252 of 765,314 alleles (0.033%); highest among the groups gnomAD compares: African/African-American, 0.4%; 2 homozygotes.

Submission:

CeGaT Center for Human Genetics Tuebingen
Classification: Likely benign. Last evaluated: 2023-02-01. Review status: criteria provided, single submitter. Criteria: CeGaT Center For Human Genetics Tuebingen Variant Classification Criteria Version 2. Collection method: clinical testing. Allele origin: germline. Affected: yes. Observed: 1 variant allele.
Comment: KDM4B: BP4, BS1

NM_015015.3(KDM4B):c.1115+639G>A

Gene: KDM4B (lysine demethylase 4B; plus strand). Cytogenetic location: 19p13.3.
Variant type: single nucleotide variant.
Coding change: c.1115+639G>A on transcript NM_015015.3 (MANE Select); 639 bases into the intron after coding-DNA position 1115, G replaced by A.
Molecular consequence: intron variant. On other transcripts: missense variant (1).
Genome position (GRCh38, 1-based): chr19:5,111,457, G>A. VCF-style: chr19-5111457-G-A. GRCh37 (hg19) VCF-style: chr19-5111468-G-A.
Other names: c.1198G>A, p.Ala400Thr (NM_001370093.1); c.1116-318G>A (NM_001370094.1); c.1115+639G>A (NM_001411148.1); short protein forms A400T.
Identifiers: ClinVar variation 2649092 (VCV002649092.24), dbSNP rs368919809, ClinGen allele CA9107622.